The following is an entry in ClinVar:

NM_001312673.2(PCYT1A):c.137C>T (p.Pro46Leu)

Gene: PCYT1A (phosphate cytidylyltransferase 1A, choline; minus strand). Cytogenetic location: 3q29.
Variant type: single nucleotide variant.
Coding change: c.137C>T on transcript NM_001312673.2 (MANE Select); coding-DNA position 137, C replaced by T.
Protein change: p.Pro46Leu; replaces proline 46 with leucine.
Molecular consequence: missense variant.
Genome position (GRCh38, 1-based): chr3:196,257,868, G>A on the plus strand (C>T on the coding strand, the complement: PCYT1A is on the minus strand). VCF-style: chr3-196257868-G-A. GRCh37 (hg19) VCF-style: chr3-195984739-G-A.
Other names: c.137C>T, p.Pro46Leu (NM_005017.4); c.137C>T (NM_005017.2); short protein forms P46L.
Identifiers: ClinVar variation 967577 (VCV000967577.8), dbSNP rs781768969, ClinGen allele CA2779618.

ClinVar aggregate classification (germline): Uncertain significance. Review status: criteria provided, multiple submitters, no conflicts (2 of 4 stars). 3 submissions from 3 submitters: Uncertain significance (3). Last evaluated 2025-07-31.

Conditions:
Inborn genetic diseases. Identifiers: MedGen C0950123, MeSH D030342.

Allele frequency attached by ClinVar (database versions not stated): ExAC 0.00001; gnomAD 0.00001; gnomAD exomes 0.00001; TOPMed 0.00002.
gnomAD v4.1: 9 of 1,612,628 alleles (0.00056%); highest among the groups gnomAD compares: Non-Finnish European, 0.00076%; no homozygotes.

Submissions (3):

Ambry Genetics
Classification: Uncertain significance for Inborn genetic diseases. Last evaluated: 2025-07-31. Review status: criteria provided, single submitter. Criteria: Ambry Variant Classification Scheme 2023. Collection method: clinical testing. Allele origin: germline.

Labcorp Genetics (formerly Invitae), Labcorp
Classification: Uncertain significance. Last evaluated: 2024-05-06. Review status: criteria provided, single submitter. Criteria: Invitae Variant Classification Sherloc (09022015). Collection method: clinical testing. Allele origin: germline.
Comment: This sequence change replaces proline, which is neutral and non-polar, with leucine, which is neutral and non-polar, at codon 46 of the PCYT1A protein (p.Pro46Leu). This variant is present in population databases (rs781768969, gnomAD 0.002%). This variant has not been reported in the literature in individuals affected with PCYT1A-related conditions. ClinVar contains an entry for this variant (Variation ID: 967577). Advanced modeling of protein sequence and biophysical properties (such as structural, functional, and spatial information, amino acid conservation, physicochemical variation, residue mobility, and thermodynamic stability) has been performed at Invitae for this missense variant, however the output from this modeling did not meet the statistical confidence thresholds required to predict the impact of this variant on PCYT1A protein function. In summary, the available evidence is currently insufficient to determine the role of this variant in disease. Therefore, it has been classified as a Variant of Uncertain Significance.

Blueprint Genetics
Classification: Uncertain significance. Last evaluated: 2018-11-30. Review status: criteria provided, single submitter. Criteria: ACMG Guidelines, 2015. Collection method: clinical testing. Allele origin: germline.